The following is an entry in ClinVar:

ClinVar aggregate classification (germline): Pathogenic (1 of 4 stars; one submission).

Conditions:
GLUT1 deficiency syndrome 1, autosomal recessive. Identifiers: MedGen C3149117.

Submission:

Labcorp Genetics (formerly Invitae), Labcorp
Classification: Pathogenic for GLUT1 deficiency syndrome 1, autosomal recessive. Last evaluated: 2020-07-08. Review status: criteria provided, single submitter. Criteria: Invitae Variant Classification Sherloc (09022015). Collection method: clinical testing. Allele origin: germline.
Comment: For these reasons, this variant has been classified as Pathogenic. Loss-of-function variants in SLC2A1 are known to be pathogenic (PMID: 21832227, 26193382). This variant has not been reported in the literature in individuals with SLC2A1-related conditions. This variant is not present in population databases (ExAC no frequency). This sequence change creates a premature translational stop signal (p.Arg253Hisfs*130) in the SLC2A1 gene. It is expected to result in an absent or disrupted protein product.

Literature cited by the submitters: PubMed 21832227; PubMed 26193382.

NM_006516.4(SLC2A1):c.751_757dup (p.Arg253fs)

Gene: SLC2A1 (solute carrier family 2 member 1; minus strand). Cytogenetic location: 1p34.2.
Variant type: Duplication.
Coding change: c.751_757dup on transcript NM_006516.4 (MANE Select); coding-DNA positions 751 to 757, 7 bases duplicated (ATGATGC; older notation c.751_757dupATGATGC).
Protein change: p.Arg253fs; shifts the reading frame from arginine 253.
Molecular consequence: frameshift variant.
Genome position (GRCh38, 1-based): chr1:42,929,703-42,929,709, GCATCAT duplicated on the plus strand (ATGATGC on the coding strand, the reverse complement: SLC2A1 is on the minus strand). VCF-style (leftmost placement, unchanged base first): chr1-42929702-C-CGCATCAT. GRCh37 (hg19) VCF-style: chr1-43395373-C-CGCATCAT.
Other names: short protein forms R253fs.
Identifiers: ClinVar variation 1075336 (VCV001075336.7), dbSNP rs2124448988, ClinGen allele CA2499214719.